The following is an entry in ClinVar:

NM_001330260.2(SCN8A):c.1644C>T (p.Leu548=)

Gene: SCN8A (sodium voltage-gated channel alpha subunit 8; plus strand). Cytogenetic location: 12q13.13.
Variant type: single nucleotide variant.
Coding change: c.1644C>T on transcript NM_001330260.2 (MANE Select); coding-DNA position 1644, C replaced by T.
Protein change: p.Leu548=; no amino-acid change (leucine 548 retained).
Molecular consequence: synonymous variant.
Genome position (GRCh38, 1-based): chr12:51,721,554, C>T. VCF-style: chr12-51721554-C-T. GRCh37 (hg19) VCF-style: chr12-52115338-C-T.
Other names: c.1644C>T, p.Leu548= (NM_001177984.3, NM_001369788.1, NM_014191.4).
Identifiers: ClinVar variation 1147162 (VCV001147162.15), dbSNP rs1289888622, ClinGen allele CA480096247.

ClinVar aggregate classification (germline): Likely benign. Review status: criteria provided, multiple submitters, no conflicts (2 of 4 stars). 3 submissions from 3 submitters: Likely benign (2). 1 of the submissions does not count toward it. Last evaluated 2023-12-08.

Conditions:
Early-infantile DEE. Also called: Ohtahara syndrome; Early infantile epileptic encephalopathy with suppression bursts; Early infantile epileptic encephalopathy. Identifiers: Orphanet 1934, MedGen C0393706, MONDO:0800491.
SCN8A-related disorder.

Allele frequency attached by ClinVar (database versions not stated): gnomAD exomes below 0.00001; gnomAD 0.00001 and 0.00002; TOPMed 0.00002.
gnomAD v4.1: 10 of 1,602,644 alleles (0.00062%); highest among the groups gnomAD compares: South Asian, 0.0011%; no homozygotes.

Submissions (3):

Labcorp Genetics (formerly Invitae), Labcorp
Classification: Likely benign for Early-infantile DEE. Last evaluated: 2023-12-08. Review status: criteria provided, single submitter. Criteria: Invitae Variant Classification Sherloc (09022015). Collection method: clinical testing. Allele origin: germline.

GeneDx
Classification: Likely benign. Last evaluated: 2019-02-12. Review status: criteria provided, single submitter. Criteria: GeneDx Variant Classification Process June 2021. Collection method: clinical testing. Allele origin: germline. Affected: yes.

PreventionGenetics, part of Exact Sciences
Classification: Likely benign for SCN8A-related condition. Last evaluated: 2019-04-01. Review status: no assertion criteria provided. Collection method: clinical testing. Allele origin: germline. Not counted in ClinVar's aggregate classification.
Comment: This variant is classified as likely benign based on ACMG/AMP sequence variant interpretation guidelines (Richards et al. 2015 PMID: 25741868, with internal and published modifications).